The following is an entry in ClinVar:

NM_000138.5(FBN1):c.7018T>C (p.Phe2340Leu)

Gene: FBN1 (fibrillin 1; minus strand). Cytogenetic location: 15q21.1.
Variant type: single nucleotide variant.
Coding change: c.7018T>C on transcript NM_000138.5 (MANE Select); coding-DNA position 7018, T replaced by C.
Protein change: p.Phe2340Leu; replaces phenylalanine 2340 with leucine.
Molecular consequence: missense variant.
Genome position (GRCh38, 1-based): chr15:48,427,753, A>G on the plus strand (T>C on the coding strand, the complement: FBN1 is on the minus strand). VCF-style: chr15-48427753-A-G. GRCh37 (hg19) VCF-style: chr15-48719950-A-G.
Other names: c.7018T>C, p.Phe2340Leu (NM_001406716.1); short protein forms F2340L.
Identifiers: ClinVar variation 3386762 (VCV003386762.1).

ClinVar aggregate classification (germline): Uncertain significance (1 of 4 stars; one submission).

Conditions:
Marfan syndrome (MFS). Also called: MARFAN SYNDROME, TYPE I; Marfan syndrome type 1; Marfan's syndrome; FBN1-Related Marfan Syndrome; Marfan syndrome, classic. Identifiers: Orphanet 284963, Orphanet 558, MedGen C0024796, MONDO:0007947, OMIM 154700.

Submission:

All of Us Research Program, National Institutes of Health
Classification: Uncertain significance for Marfan syndrome. Last evaluated: 2024-04-25. Review status: criteria provided, single submitter. Criteria: ACMG Guidelines, 2015. Collection method: clinical testing. Allele origin: germline. Inheritance: Autosomal dominant inheritance. Observed: 1 variant allele, 1 heterozygote.
Comment: This missense variant replaces phenylalanine with leucine at codon 2340 of the FBN1 protein. Computational prediction is inconclusive regarding the impact of this variant on protein structure and function (internally defined REVEL score threshold 0.5 < inconclusive < 0.7, PMID: 27666373). To our knowledge, functional studies have not been reported for this variant. This variant has not been reported in individuals affected with FBN1-related disorders in the literature. This variant has not been identified in the general population by the Genome Aggregation Database (gnomAD). The available evidence is insufficient to determine the role of this variant in disease conclusively. Therefore, this variant is classified as a Variant of Uncertain Significance.

This study involves interpretation of variants in research participants for the purpose of population health screening. Participant phenotype was not available at the time of variant classification. Additional details can be found in publication PMID: 35346344, PMCID: PMC8962531